The following is an entry in ClinVar:

NM_001323289.2(CDKL5):c.2016del (p.Ser673fs)

Gene: CDKL5 (cyclin dependent kinase like 5; plus strand). Cytogenetic location: Xp22.13.
Variant type: Deletion.
Coding change: c.2016del on transcript NM_001323289.2 (MANE Select); coding-DNA position 2016, one base deleted (C; older notation c.2016delC).
Protein change: p.Ser673fs; shifts the reading frame from serine 673.
Molecular consequence: frameshift variant.
Genome position (GRCh38, 1-based): chrX:18,608,882, C deleted; the last of 2 consecutive C bases (chrX:18,608,881-18,608,882); deleting either gives the same sequence. VCF-style (leftmost placement, unchanged base first): chrX-18608880-AC-A. GRCh37 (hg19) VCF-style: chrX-18627000-AC-A.
Other names: NM_001323289.2(CDKL5):c.2016del; p.Ser673fs; c.2016del, p.Ser673fs (NM_001037343.2, NM_003159.3); c.2016delC (NM_003159.2); short protein forms S673fs.
Identifiers: ClinVar variation 143792 (VCV000143792.4), dbSNP rs267608648, ClinGen allele CA170466.

ClinVar aggregate classification (germline): Pathogenic. Review status: criteria provided, single submitter (1 of 4 stars). 2 submissions from 2 submitters: Pathogenic (1). 1 of the submissions does not count toward it. Last evaluated 2024-09-13.

Conditions:
CDKL5 disorder. Identifiers: MedGen CN296942, MONDO:0100039.
Developmental and epileptic encephalopathy, 2 (DEE2). Also called: INFANTILE SPASM SYNDROME, X-LINKED 2; CDKL5 deficiency disorder. Identifiers: Orphanet 1934, Orphanet 3451, Orphanet 505652, MedGen C4750718, MONDO:0010396, OMIM 300672.

Submissions (2):

Centre for Population Genomics, CPG
Classification: Pathogenic for CDKL5 disorder. Last evaluated: 2024-09-13. Review status: criteria provided, single submitter. Criteria: McKnight et al. (Hum Mutat. 2022). Collection method: curation. Allele origin: germline. Inheritance: X-linked inheritance.
Comment: This variant has been collected from RettBASE and curated to current modified ACMG/AMP criteria. Based on the classification scheme defined by the ClinGen Rett/Angelman-like Expert Panel for Rett/AS-like Disorders Specifications to the ACMG/AMP Variant Interpretation Guidelines VCEP 3.0, this variant is classified as pathogenic. At least the following criteria are met: Predicted to result in loss of function, and LOF is a known mechanism of disease (PVS1). This variant has been identified as a de novo occurrence in an individual with CDKL5 disorder without confirmation of paternity and maternity (PM6, PMID: 18790821). This variant is absent from gnomAD (PM2_Supporting).

RettBASE
Classification: Pathogenic for Epileptic encephalopathy, early infantile, 2. Last evaluated: 2014-03-13. Review status: no assertion criteria provided. Collection method: curation. Allele origin: de novo. Affected: yes. Observed: 1 variant allele. Not counted in ClinVar's aggregate classification.

Literature cited by the submitters: PubMed 18790821 (cited by RettBASE).